The following is an entry in ClinVar:

ClinVar aggregate classification (germline): Uncertain significance (1 of 4 stars; one submission).

Submission:

Labcorp Genetics (formerly Invitae), Labcorp
Classification: Uncertain significance. Last evaluated: 2025-10-06. Review status: criteria provided, single submitter. Criteria: Invitae Variant Classification Sherloc (09022015). Collection method: clinical testing. Allele origin: germline.
Comment: This variant, c.228_230dup, results in the insertion of 1 amino acid(s) of the RUNX2 protein (p.Ala89dup), but otherwise preserves the integrity of the reading frame. This variant is not present in population databases (gnomAD no frequency). This variant has not been reported in the literature in individuals affected with RUNX2-related conditions. ClinVar contains an entry for this variant (Variation ID: 859144). Experimental studies and prediction algorithms are not available or were not evaluated, and the functional significance of this variant is currently unknown. In summary, the available evidence is currently insufficient to determine the role of this variant in disease. Therefore, it has been classified as a Variant of Uncertain Significance.

NM_001024630.4(RUNX2):c.216GGC[6] (p.Ala89dup)

Genes: RUNX2 (RUNX family transcription factor 2; plus strand), LOC109611589 (runt related transcription factor 2 polyalanine expansion region; plus strand). Cytogenetic location: 6p21.1.
Variant type: Microsatellite.
Coding change: c.216GGC[6] on transcript NM_001024630.4 (MANE Select); six copies in a row of the 3-base unit GGC starting at c.216; the reference has five copies in a row; one copy, 3 bases duplicated.
Protein change: p.Ala89dup; duplicates alanine 89.
Molecular consequence: inframe insertion.
Genome position (GRCh38, 1-based): chr6:45,422,762-45,422,764, GGC duplicated; duplicating any 3 consecutive bases within chr6:45,422,750-45,422,764 gives the same sequence; the position shown is the placement nearest the transcript's 3' end. VCF-style (leftmost placement, unchanged base first): chr6-45422749-A-AGGC. GRCh37 (hg19) VCF-style: chr6-45390486-A-AGGC.
Other names: c.216GGC[6], p.Ala89dup (NM_001015051.4); c.174GGC[6], p.Ala75dup (NM_001278478.2, NM_001369405.1).
Identifiers: ClinVar variation 859144 (VCV000859144.9), dbSNP rs746557318, ClinGen allele CA825105767.
Genomic context (GRCh38, chr6:45,422,749, plus strand): 5'-AGCAACAGCAGCAGCAGCAACAGCAGCAGCAGCAGCAGCAACAGCAGCAGCAGCAGCAGG[A>AGGC]GGCGGCGGCGGCGGCTGCGGCGGCGGCGGCGGCTGCGGCGGCGGCAGCTGCAGTGCCCCG-3'